The following is an entry in ClinVar:

NM_006648.4(WNK2):c.3964C>T (p.Pro1322Ser)

Gene: WNK2 (WNK lysine deficient protein kinase 2; plus strand). Cytogenetic location: 9q22.31.
Variant type: single nucleotide variant.
Coding change: c.3964C>T on transcript NM_006648.4 (MANE Select); coding-DNA position 3964, C replaced by T.
Protein change: p.Pro1322Ser; replaces proline 1322 with serine.
Molecular consequence: missense variant.
Genome position (GRCh38, 1-based): chr9:93,268,677, C>T. VCF-style: chr9-93268677-C-T. GRCh37 (hg19) VCF-style: chr9-96030959-C-T.
Other names: c.3964C>T, p.Pro1322Ser (NM_001282394.3); short protein forms P1322S.
Identifiers: ClinVar variation 4844908 (VCV004844908.1).

ClinVar aggregate classification (germline): Uncertain significance (1 of 4 stars; one submission).

gnomAD v4.1: 1 of 1,613,484 alleles (0.000062%); highest among the groups gnomAD compares: Non-Finnish European, 0.000085%; no homozygotes.

Submission:

Ambry Genetics
Classification: Uncertain significance. Last evaluated: 2026-02-17. Review status: criteria provided, single submitter. Criteria: Ambry Variant Classification Scheme 2023. Collection method: clinical testing. Allele origin: germline.
Comment: The p.P1322S variant (also known as c.3964C>T), located in coding exon 18 of the WNK2 gene, results from a C to T substitution at nucleotide position 3964. The proline at codon 1322 is replaced by serine, an amino acid with similar properties. This amino acid position is conserved. In addition, this alteration is predicted to be tolerated by in silico analysis. Based on the available evidence, the clinical significance of this variant remains unclear.